The following is an entry in ClinVar:

ClinVar aggregate classification (germline): Uncertain significance. Review status: criteria provided, multiple submitters, no conflicts (2 of 4 stars). 2 submissions from 2 submitters: Uncertain significance (2). Last evaluated 2022-06-07.

Allele frequency attached by ClinVar (database versions not stated): gnomAD 0.00002; gnomAD exomes 0.00002; TOPMed 0.00003; ExAC 0.00005.
gnomAD v4.1: 30 of 1,614,006 alleles (0.0019%); highest among the groups gnomAD compares: East Asian, 0.0089%; no homozygotes.

Submissions (2):

Labcorp Genetics (formerly Invitae), Labcorp
Classification: Uncertain significance. Last evaluated: 2022-06-07. Review status: criteria provided, single submitter. Criteria: Invitae Variant Classification Sherloc (09022015). Collection method: clinical testing. Allele origin: germline.
Comment: This sequence change replaces valine, which is neutral and non-polar, with isoleucine, which is neutral and non-polar, at codon 874 of the SLC12A3 protein (p.Val874Ile). This variant is present in population databases (rs773166282, gnomAD 0.04%). This variant has not been reported in the literature in individuals affected with SLC12A3-related conditions. Advanced modeling of protein sequence and biophysical properties (such as structural, functional, and spatial information, amino acid conservation, physicochemical variation, residue mobility, and thermodynamic stability) performed at Invitae indicates that this missense variant is not expected to disrupt SLC12A3 protein function. In summary, the available evidence is currently insufficient to determine the role of this variant in disease. Therefore, it has been classified as a Variant of Uncertain Significance.

Blueprint Genetics
Classification: Uncertain significance. Last evaluated: 2020-02-05. Review status: criteria provided, single submitter. Criteria: ACMG Guidelines, 2015. Collection method: clinical testing. Allele origin: germline.

NM_001126108.2(SLC12A3):c.2593G>A (p.Val865Ile)

Gene: SLC12A3 (solute carrier family 12 member 3; plus strand). Cytogenetic location: 16q13.
Variant type: single nucleotide variant.
Coding change: c.2593G>A on transcript NM_001126108.2 (MANE Select); coding-DNA position 2593, G replaced by A.
Protein change: p.Val865Ile; replaces valine 865 with isoleucine.
Molecular consequence: missense variant.
Genome position (GRCh38, 1-based): chr16:56,894,602, G>A. VCF-style: chr16-56894602-G-A. GRCh37 (hg19) VCF-style: chr16-56928514-G-A.
Other names: c.2620G>A, p.Val874Ile (NM_000339.3); c.2617G>A, p.Val873Ile (NM_001126107.2); c.2590G>A, p.Val864Ile (NM_001410896.1); short protein forms V865I, V864I, V874I, V873I.
Identifiers: ClinVar variation 2169173 (VCV002169173.2), dbSNP rs773166282, ClinGen allele CA8069974.